The following is an entry in ClinVar:

NM_006158.5(NEFL):c.1610A>G (p.Gln537Arg)

Gene: NEFL (neurofilament light chain; minus strand). Cytogenetic location: 8p21.2.
Variant type: single nucleotide variant.
Coding change: c.1610A>G on transcript NM_006158.5 (MANE Select); coding-DNA position 1610, A replaced by G.
Protein change: p.Gln537Arg; replaces glutamine 537 with arginine.
Molecular consequence: missense variant.
Genome position (GRCh38, 1-based): chr8:24,952,832, T>C on the plus strand (A>G on the coding strand, the complement: NEFL is on the minus strand). VCF-style: chr8-24952832-T-C. GRCh37 (hg19) VCF-style: chr8-24810345-T-C.
Other names: p.Gln537Arg; short protein forms Q537R.
Identifiers: ClinVar variation 220209 (VCV000220209.56), dbSNP rs377121179, ClinGen allele CA348057.

ClinVar aggregate classification (germline): Conflicting classifications of pathogenicity. Review status: criteria provided, conflicting classifications (1 of 4 stars). 8 submissions from 8 submitters: Uncertain significance (5); Benign (1); Likely benign (2). Last evaluated 2026-08-13.

Conditions:
Charcot-Marie-Tooth disease, dominant intermediate G. Identifiers: MedGen C4693509, MONDO:0036484, OMIM 617882.
Charcot-Marie-Tooth disease type 2E (CMT2E). Also called: CHARCOT-MARIE-TOOTH DISEASE, AXONAL, TYPE 2E; CHARCOT-MARIE-TOOTH NEUROPATHY, TYPE 2E. Identifiers: Orphanet 99939, MedGen C1843225, MONDO:0011894, OMIM 607684.
Charcot-Marie-Tooth disease type 1F. Also called: Charcot-Marie-Tooth disease, demyelinating, type 1f; CHARCOT-MARIE-TOOTH NEUROPATHY, TYPE 1F. Identifiers: Orphanet 101085, MedGen C1843164, MONDO:0011902, OMIM 607734.
Inborn genetic diseases. Identifiers: MedGen C0950123, MeSH D030342.
NEFL-related disorder. Also called: NEFL-related condition.

Allele frequency attached by ClinVar (database versions not stated): 1000 Genomes Project 0.00020; 1000 Genomes Project 30x 0.00031; ExAC 0.00035; gnomAD exomes 0.00043 and 0.00082; ESP Exome Variant Server 0.00050; TOPMed 0.00054; gnomAD 0.00055 and 0.00058.

Submissions (8):

GeneDx
Classification: Uncertain significance. Last evaluated: 2026-08-13. Review status: criteria provided, single submitter. Criteria: GeneDx Variant Classification Process June 2021. Collection method: clinical testing. Allele origin: germline.
Comment: Reported in an individual with congenital hypotonia; however, this individual was found to have two truncating variants on opposite alleles of the IGHMBP2 gene (PMID: 26257172); Reported previously as a variant of uncertain significance in three patients with suspected Charcot-Marie-Tooth disease; however, no further clinical or segregation information was provided (PMID: 32376792); In silico analysis does not support a benign or deleterious effect of this variant on protein structure/function; This variant is associated with the following publications: (PMID: 28501821, 32376792, 26257172)

CeGaT Center for Human Genetics Tuebingen
Classification: Likely benign. Last evaluated: 2026-05-01. Review status: criteria provided, single submitter. Criteria: CeGaT Center For Human Genetics Tuebingen Variant Classification Criteria Version 2. Collection method: clinical testing. Allele origin: germline. Affected: yes. Observed: 8 variant alleles.
Comment: NEFL: BP4

PreventionGenetics, part of Exact Sciences
Classification: Uncertain significance for NEFL-related condition. Last evaluated: 2026-01-27. Review status: criteria provided, single submitter. Criteria: ACMG Guidelines, 2015. Collection method: clinical testing. Allele origin: germline.
Comment: The NEFL c.1610A>G variant is predicted to result in the amino acid substitution p.Gln537Arg. This variant was reported as a variant of uncertain significance in an individual from a large cohort study of Charcot-Marie-Tooth disease; however, additional evidence was not provided (Volodarsky et al. 2021. PubMed ID: 32376792). This variant is reported in 0.065% of alleles in individuals of European (Non-Finnish) descent in gnomAD, which may be too frequent to be a primary cause of disease. Although we suspect this variant is benign, at this time, the clinical significance of this variant is uncertain due to the absence of conclusive functional and genetic evidence.

Labcorp Genetics (formerly Invitae), Labcorp
Classification: Likely benign for Charcot-Marie-Tooth disease type 2E. Last evaluated: 2026-01-10. Review status: criteria provided, single submitter. Criteria: Invitae Variant Classification Sherloc (09022015). Collection method: clinical testing. Allele origin: germline.

Athena Diagnostics
Classification: Benign. Last evaluated: 2025-09-11. Review status: criteria provided, single submitter. Criteria: Athena Diagnostics Criteria. Collection method: clinical testing. Allele origin: unknown.
Comment: The frequency of this variant in the general population is higher than would generally be expected for pathogenic variants in this gene. This variant has been seen where an alternate explanation for disease was also identified.

Ambry Genetics
Classification: Uncertain significance for Inborn genetic diseases. Last evaluated: 2025-08-30. Review status: criteria provided, single submitter. Criteria: Ambry Variant Classification Scheme 2023. Collection method: clinical testing. Allele origin: germline.
Comment: Unlikely to be causative of NEFL-related Charcot-Marie-Tooth disease (AD) Based on insufficient or conflicting evidence, the clinical significance of this alteration remains unclear.

Mayo Clinic Laboratories, Mayo Clinic
Classification: Uncertain significance. Last evaluated: 2025-08-01. Review status: criteria provided, single submitter. Criteria: ACMG Guidelines, 2015. Collection method: clinical testing. Allele origin: germline. Observed: 2 variant alleles.
Comment: BS1

Fulgent Genetics
Classification: Uncertain significance for Charcot-Marie-Tooth disease type 2E; Charcot-Marie-Tooth disease type 1F; Charcot-Marie-Tooth disease, dominant intermediate G. Last evaluated: 2018-10-31. Review status: criteria provided, single submitter. Criteria: ACMG Guidelines, 2015. Collection method: clinical testing. Allele origin: unknown.

Literature cited by the submitters: PubMed 28501821 (cited by Athena Diagnostics and Mayo Clinic Laboratories, Mayo Clinic); PubMed 32376792 (cited by Athena Diagnostics and Mayo Clinic Laboratories, Mayo Clinic); PubMed 26257172 (cited by Mayo Clinic Laboratories, Mayo Clinic).